The following is an entry in ClinVar:

ClinVar aggregate classification (germline): Uncertain significance (1 of 4 stars; one submission).

Conditions:
Hereditary cancer-predisposing syndrome. Also called: Tumor predisposition; Neoplastic Syndromes, Hereditary; Hereditary Cancer Syndrome; Hereditary neoplastic syndrome. Identifiers: Orphanet 140162, MedGen C0027672, MeSH D009386, MONDO:0015356.

Submission:

Ambry Genetics
Classification: Uncertain significance for Hereditary cancer-predisposing syndrome. Last evaluated: 2024-12-12. Review status: criteria provided, single submitter. Criteria: Ambry Variant Classification Scheme 2023. Collection method: clinical testing. Allele origin: germline.
Comment: The p.R921C variant (also known as c.2761C>T), located in coding exon 21 of the POLD1 gene, results from a C to T substitution at nucleotide position 2761. The arginine at codon 921 is replaced by cysteine, an amino acid with highly dissimilar properties. This amino acid position is highly conserved in available vertebrate species. In addition, the in silico prediction for this alteration is inconclusive. Based on the available evidence, the clinical significance of this variant remains unclear.

NM_002691.4(POLD1):c.2761C>T (p.Arg921Cys)

Gene: POLD1 (DNA polymerase delta 1, catalytic subunit; plus strand). Cytogenetic location: 19q13.33.
Variant type: single nucleotide variant.
Coding change: c.2761C>T on transcript NM_002691.4 (MANE Select); coding-DNA position 2761, C replaced by T.
Protein change: p.Arg921Cys; replaces arginine 921 with cysteine.
Molecular consequence: missense variant.
Genome position (GRCh38, 1-based): chr19:50,415,767, C>T. VCF-style: chr19-50415767-C-T. GRCh37 (hg19) VCF-style: chr19-50919024-C-T.
Other names: c.2761C>T, p.Arg921Cys (NM_001256849.1); c.2839C>T, p.Arg947Cys (NM_001308632.1); short protein forms R947C, R921C.
Identifiers: ClinVar variation 3891287 (VCV003891287.1).